The following is an entry in ClinVar:

NM_001243279.3(ACSF3):c.973del (p.Ile325fs)

Gene: ACSF3 (acyl-CoA synthetase family member 3; plus strand). Cytogenetic location: 16q24.3.
Variant type: Deletion.
Coding change: c.973del on transcript NM_001243279.3 (MANE Select); coding-DNA position 973, one base deleted (A; older notation c.973delA).
Protein change: p.Ile325fs; shifts the reading frame from isoleucine 325.
Molecular consequence: frameshift variant. On other transcripts: non-coding transcript variant (3).
Genome position (GRCh38, 1-based): chr16:89,112,242, A deleted; the last of 6 consecutive A bases (chr16:89,112,237-89,112,242); deleting any one gives the same sequence. VCF-style (leftmost placement, unchanged base first): chr16-89112236-GA-G. GRCh37 (hg19) VCF-style: chr16-89178644-GA-G.
Other names: c.973del, p.Ile325fs (NM_001127214.4, NM_174917.5); c.178del, p.Ile60fs (NM_001284316.2); short protein forms I325fs, I60fs.
Identifiers: ClinVar variation 2771531 (VCV002771531.5), dbSNP rs1315251471, ClinGen allele CA725661990.

ClinVar aggregate classification (germline): Pathogenic/Likely pathogenic. Review status: criteria provided, multiple submitters, no conflicts (2 of 4 stars). 2 submissions from 2 submitters: Pathogenic (1); Likely pathogenic (1). Last evaluated 2023-10-24.

Conditions:
Combined malonic and methylmalonic acidemia. Identifiers: Orphanet 289504, MedGen C3280314, MONDO:0013661, OMIM 614265.

Submissions (2):

Labcorp Genetics (formerly Invitae), Labcorp
Classification: Pathogenic for Combined malonic and methylmalonic acidemia. Last evaluated: 2023-10-24. Review status: criteria provided, single submitter. Criteria: Invitae Variant Classification Sherloc (09022015). Collection method: clinical testing. Allele origin: germline.
Comment: This sequence change creates a premature translational stop signal (p.Ile325Leufs*3) in the ACSF3 gene. It is expected to result in an absent or disrupted protein product. Loss-of-function variants in ACSF3 are known to be pathogenic (PMID: 21841779, 26827111). This variant is not present in population databases (gnomAD no frequency). This variant has not been reported in the literature in individuals affected with ACSF3-related conditions. For these reasons, this variant has been classified as Pathogenic.

Juno Genomics, Hangzhou Juno Genomics, Inc
Classification: Likely pathogenic for Combined malonic and methylmalonic acidemia. Review status: criteria provided, single submitter. Criteria: ACMG Guidelines, 2015. Collection method: clinical testing. Allele origin: germline.
Comment: Absent from controls (or at extremely low frequency if recessive) in Genome Aggregation Database.;Null variant in a gene where loss of function (LOF) is a known mechanism of disease.

Literature cited by the submitters: PubMed 21841779 (cited by Labcorp Genetics (formerly Invitae), Labcorp); PubMed 26827111 (cited by Labcorp Genetics (formerly Invitae), Labcorp).